The following is an entry in ClinVar:

NM_002471.4(MYH6):c.5140C>A (p.Arg1714=)

Genes: MYH6 (myosin heavy chain 6; minus strand), LOC126861896 (BRD4-independent group 4 enhancer GRCh37_chr14:23854904-23856103; plus strand). Cytogenetic location: 14q11.2.
Variant type: single nucleotide variant.
Coding change: c.5140C>A on transcript NM_002471.4 (MANE Select); coding-DNA position 5140, C replaced by A.
Protein change: p.Arg1714=; no amino-acid change (arginine 1714 retained).
Molecular consequence: synonymous variant.
Genome position (GRCh38, 1-based): chr14:23,385,951, G>T on the plus strand (C>A on the coding strand, the complement: MYH6 is on the minus strand). VCF-style: chr14-23385951-G-T. GRCh37 (hg19) VCF-style: chr14-23855160-G-T.
Identifiers: ClinVar variation 239178 (VCV000239178.23), dbSNP rs140651265, ClinGen allele CA7114539.

ClinVar aggregate classification (germline): Benign/Likely benign. Review status: criteria provided, multiple submitters, no conflicts (2 of 4 stars). 8 submissions from 8 submitters: Benign (1); Likely benign (4). 3 of the submissions do not count toward it. Last evaluated 2025-12-29.

Conditions:
MYH6-related disorder. Also called: MYH6-Related Disorders; MYH6-related condition.
Cardiovascular phenotype. Identifiers: MedGen CN230736.
Dilated cardiomyopathy 1EE (CMD1EE). Identifiers: Orphanet 154, MedGen C2750466, MONDO:0013198, OMIM 613252.
Sick sinus syndrome 3, susceptibility to (SSS3). Identifiers: Orphanet 166282, MedGen C3279791, MONDO:0013568, OMIM 614090.
Hypertrophic cardiomyopathy 1 (CMH1). Also called: Familial hypertrophic cardiomyopathy 1; MYH7-Related Familial Hypertrophic Cardiomyopathy. Identifiers: MedGen C3495498, MONDO:0008647, OMIM 192600.
Hypertrophic cardiomyopathy 14. Identifiers: MedGen C2750467, MONDO:0013197, OMIM 613251.
Atrial septal defect 3 (ASD3). Identifiers: Orphanet 1478, MedGen C3279790, MONDO:0013567, OMIM 614089.

Allele frequency attached by ClinVar (database versions not stated): 1000 Genomes Project 30x 0.00016; ESP Exome Variant Server 0.00023; TOPMed 0.00027; gnomAD 0.00036.
gnomAD v4.1: 90 of 1,614,172 alleles (0.0056%); highest among the groups gnomAD compares: African/African-American, 0.1%; no homozygotes.

Submissions (8):

Labcorp Genetics (formerly Invitae), Labcorp
Classification: Likely benign for Hypertrophic cardiomyopathy 14. Last evaluated: 2025-12-29. Review status: criteria provided, single submitter. Criteria: Invitae Variant Classification Sherloc (09022015). Collection method: clinical testing. Allele origin: germline.

Fulgent Genetics
Classification: Benign for Hypertrophic cardiomyopathy 1; Hypertrophic cardiomyopathy 14; Dilated cardiomyopathy 1EE; Atrial septal defect 3; Sick sinus syndrome 3, susceptibility to. Last evaluated: 2021-08-10. Review status: criteria provided, single submitter. Criteria: ACMG Guidelines, 2015. Collection method: clinical testing. Allele origin: unknown.

GeneDx
Classification: Likely benign. Last evaluated: 2020-05-18. Review status: criteria provided, single submitter. Criteria: GeneDx Variant Classification Process June 2021. Collection method: clinical testing. Allele origin: germline. Affected: yes.

Ambry Genetics
Classification: Likely benign for Cardiovascular phenotype. Last evaluated: 2018-08-31. Review status: criteria provided, single submitter. Criteria: Ambry Variant Classification Scheme 2023. Collection method: clinical testing. Allele origin: germline.

Breakthrough Genomics
Classification: Likely benign. Review status: criteria provided, single submitter. Criteria: ACMG Guidelines, 2015. Collection method: not provided. Allele origin: germline. Inheritance: Autosomal dominant inheritance. Affected: yes.

PreventionGenetics, part of Exact Sciences
Classification: Likely benign for MYH6-related condition. Last evaluated: 2024-06-24. Review status: no assertion criteria provided. Collection method: clinical testing. Allele origin: germline. Not counted in ClinVar's aggregate classification.
Comment: This variant is classified as likely benign based on ACMG/AMP sequence variant interpretation guidelines (Richards et al. 2015 PMID: 25741868, with internal and published modifications).

Clinical Genetics, Academic Medical Center
Classification: Benign. Review status: no assertion criteria provided. Collection method: clinical testing. Allele origin: germline. Affected: yes. Study: VKGL Data-share Consensus. Not counted in ClinVar's aggregate classification.

Joint Genome Diagnostic Labs from Nijmegen and Maastricht, Radboudumc and MUMC+
Classification: Likely benign. Review status: no assertion criteria provided. Collection method: clinical testing. Allele origin: germline. Affected: yes. Study: VKGL Data-share Consensus. Not counted in ClinVar's aggregate classification.